The following is an entry in ClinVar:

ClinVar aggregate classification (germline): Uncertain significance (1 of 4 stars; one submission).

Conditions:
Hereditary cancer-predisposing syndrome. Also called: Hereditary Cancer Syndrome; Hereditary neoplastic syndrome; Neoplastic Syndromes, Hereditary; Tumor predisposition. Identifiers: Orphanet 140162, MedGen C0027672, MeSH D009386, MONDO:0015356.

Submission:

Ambry Genetics
Classification: Uncertain significance for Hereditary cancer-predisposing syndrome. Last evaluated: 2022-02-28. Review status: criteria provided, single submitter. Criteria: Ambry Variant Classification Scheme 2023. Collection method: clinical testing. Allele origin: germline.
Comment: The p.N444I variant (also known as c.1331A>T), located in coding exon 4 of the PALB2 gene, results from an A to T substitution at nucleotide position 1331. The asparagine at codon 444 is replaced by isoleucine, an amino acid with dissimilar properties. This amino acid position is conserved. In addition, this alteration is predicted to be tolerated by in silico analysis. Since supporting evidence is limited at this time, the clinical significance of this alteration remains unclear.

NM_024675.4(PALB2):c.1331A>T (p.Asn444Ile)

Gene: PALB2 (partner and localizer of BRCA2; minus strand). Cytogenetic location: 16p12.2.
Variant type: single nucleotide variant.
Coding change: c.1331A>T on transcript NM_024675.4 (MANE Select); coding-DNA position 1331, A replaced by T.
Protein change: p.Asn444Ile; replaces asparagine 444 with isoleucine.
Molecular consequence: missense variant.
Genome position (GRCh38, 1-based): chr16:23,635,215, T>A on the plus strand (A>T on the coding strand, the complement: PALB2 is on the minus strand). VCF-style: chr16-23635215-T-A. GRCh37 (hg19) VCF-style: chr16-23646536-T-A.
Other names: c.1271A>T, p.Asn424Ile (NM_001407296.1); c.1331A>T, p.Asn444Ile (NM_001407297.1, NM_001407298.1, NM_001407299.1 and 3 more transcripts); c.446A>T, p.Asn149Ile (NM_001407304.1, NM_001407305.1, NM_001407306.1 and 5 more transcripts); short protein forms N149I, N444I, N424I.
Identifiers: ClinVar variation 1770149 (VCV001770149.2), dbSNP rs764599493, ClinGen allele CA395132273.